The following is an entry in ClinVar:

ClinVar aggregate classification (germline): Likely pathogenic (1 of 4 stars; one submission).

Conditions:
Hypertrophic cardiomyopathy. Also called: HYPERTROPHIC MYOCARDIOPATHY. Identifiers: Orphanet 217569, MedGen C0007194, MeSH D002312, MONDO:0005045, HP:0001639.

Submission:

Labcorp Genetics (formerly Invitae), Labcorp
Classification: Likely pathogenic for Hypertrophic cardiomyopathy. Last evaluated: 2021-03-16. Review status: criteria provided, single submitter. Criteria: Invitae Variant Classification Sherloc (09022015). Collection method: clinical testing. Allele origin: germline.
Comment: This variant has been observed in individual(s) with clinical features of restrictive cardiomyopathy (Invitae). In at least one individual the variant was observed to be de novo. In summary, the currently available evidence indicates that the variant is pathogenic, but additional data are needed to prove that conclusively. Therefore, this variant has been classified as Likely Pathogenic. This variant disrupts the p.Glu180 amino acid residue in TPM1. Other variant(s) that disrupt this residue have been determined to be pathogenic (PMID: 8205619, 22155441, 9245729, 11603924, 22789852). This suggests that this residue is clinically significant, and that variants that disrupt this residue are likely to be disease-causing. Algorithms developed to predict the effect of missense changes on protein structure and function are either unavailable or do not agree on the potential impact of this missense change (SIFT: "Deleterious"; PolyPhen-2: "Probably Damaging"; Align-GVGD: "Class C0"). This variant is not present in population databases (ExAC no frequency). This sequence change replaces glutamic acid with lysine at codon 180 of the TPM1 protein (p.Glu180Lys). The glutamic acid residue is highly conserved and there is a small physicochemical difference between glutamic acid and lysine.

Literature cited by the submitters: PubMed 8205619; PubMed 22155441; PubMed 9245729; PubMed 11603924; PubMed 22789852.

NM_001018005.2(TPM1):c.538G>A (p.Glu180Lys)

Gene: TPM1 (tropomyosin 1; plus strand). Cytogenetic location: 15q22.2.
Variant type: single nucleotide variant.
Coding change: c.538G>A on transcript NM_001018005.2 (MANE Select); coding-DNA position 538, G replaced by A.
Protein change: p.Glu180Lys; replaces glutamic acid 180 with lysine.
Molecular consequence: missense variant.
Genome position (GRCh38, 1-based): chr15:63,060,914, G>A. VCF-style: chr15-63060914-G-A. GRCh37 (hg19) VCF-style: chr15-63353113-G-A.
Other names: c.538G>A, p.Glu180Lys (NM_000366.6, NM_001018004.2, NM_001018006.2 and 6 more transcripts); c.430G>A, p.Glu144Lys (NM_001018008.2, NM_001301289.2, NM_001330344.2 and 5 more transcripts); c.664G>A, p.Glu222Lys (NM_001365778.1); short protein forms E144K, E180K, E222K.
Identifiers: ClinVar variation 1002513 (VCV001002513.8), dbSNP rs1555409132, ClinGen allele CA392723226.